The following is an entry in ClinVar:

NM_001267550.2(TTN):c.23847C>T (p.Pro7949=)

Gene: TTN (titin; minus strand). Cytogenetic location: 2q31.2.
Variant type: single nucleotide variant.
Coding change: c.23847C>T on transcript NM_001267550.2 (MANE Select); coding-DNA position 23847, C replaced by T.
Protein change: p.Pro7949=; no amino-acid change (proline 7949 retained).
Molecular consequence: synonymous variant. On other transcripts: intron variant (3).
Genome position (GRCh38, 1-based): chr2:178,719,645, G>A on the plus strand (C>T on the coding strand, the complement: TTN is on the minus strand). VCF-style: chr2-178719645-G-A. GRCh37 (hg19) VCF-style: chr2-179584372-G-A.
Other names: c.22896C>T, p.Pro7632= (NM_001256850.1); c.20115C>T, p.Pro6705= (NM_133378.4); c.13282+18437C>T (NM_003319.4); c.13858+18437C>T (NM_133437.4); c.13657+18437C>T (NM_133432.3).
Identifiers: ClinVar variation 698879 (VCV000698879.12), dbSNP rs377009958, ClinGen allele CA2000559.
Genomic context (GRCh38, chr2:178,719,645, plus strand): 5'-TTTGCCAACACTGTTTTTCACTTCAAAGCTATATAATCCTTTGTCACTCATTTCGGCACA[G>A]GGGATTTTAAGGGAAGCCACTTTATTGATGAATGTAATGTGATGTTTGCTGTCTGCAGAC-3'
Protein context (NP_001254479.2, residues 7939-7959): FINKVASLKI[Pro7949=]CAEMSDKGLY

ClinVar aggregate classification (germline): Likely benign. Review status: criteria provided, multiple submitters, no conflicts (2 of 4 stars). 4 submissions from 4 submitters: Likely benign (2). 2 of the submissions do not count toward it. Last evaluated 2026-06-04.

Conditions:
TTN-related disorder. Also called: TTN-related condition; TTN-related disease; TTN-related disorders.
Autosomal recessive limb-girdle muscular dystrophy type 2J (LGMDR10). Also called: Limb-girdle muscular dystrophy, type 2J; MUSCULAR DYSTROPHY, LIMB-GIRDLE, AUTOSOMAL RECESSIVE 10. Identifiers: Orphanet 140922, MedGen C1837342, MONDO:0012127, OMIM 608807.
Dilated cardiomyopathy 1G (CMD1G). Identifiers: Orphanet 154, MedGen C1858763, MONDO:0011400, OMIM 604145.

Allele frequency attached by ClinVar (database versions not stated): gnomAD 0.00001; TOPMed 0.00001; ExAC 0.00005; ESP Exome Variant Server 0.00008.
gnomAD v4.1: 84 of 1,613,618 alleles (0.0052%); highest among the groups gnomAD compares: Non-Finnish European, 0.007%; no homozygotes.

Submissions (4):

PreventionGenetics, part of Exact Sciences
Classification: Likely benign for TTN-related condition. Last evaluated: 2026-06-04. Review status: criteria provided, single submitter. Criteria: ACMG Guidelines, 2015. Collection method: clinical testing. Allele origin: germline.
Comment: This variant is classified as likely benign based on ACMG/AMP sequence variant interpretation guidelines (Richards et al. 2015 PMID: 25741868, with internal and published modifications).

Labcorp Genetics (formerly Invitae), Labcorp
Classification: Likely benign for Dilated cardiomyopathy 1G; Autosomal recessive limb-girdle muscular dystrophy type 2J. Last evaluated: 2026-01-05. Review status: criteria provided, single submitter. Criteria: Invitae Variant Classification Sherloc (09022015). Collection method: clinical testing. Allele origin: germline.

Clinical Genetics DNA and cytogenetics Diagnostics Lab, Erasmus MC, Erasmus Medical Center
Classification: Likely benign. Review status: no assertion criteria provided. Collection method: clinical testing. Allele origin: germline. Affected: yes. Study: VKGL Data-share Consensus. Not counted in ClinVar's aggregate classification.

Diagnostic Laboratory, Department of Genetics, University Medical Center Groningen
Classification: Likely benign. Review status: no assertion criteria provided. Collection method: clinical testing. Allele origin: germline. Affected: yes. Study: VKGL Data-share Consensus. Not counted in ClinVar's aggregate classification.